The following is an entry in ClinVar:

NM_001040142.2(SCN2A):c.1199C>A (p.Thr400Lys)

Gene: SCN2A (sodium voltage-gated channel alpha subunit 2; plus strand). Cytogenetic location: 2q24.3.
Variant type: single nucleotide variant.
Coding change: c.1199C>A on transcript NM_001040142.2 (MANE Select); coding-DNA position 1199, C replaced by A.
Protein change: p.Thr400Lys; replaces threonine 400 with lysine.
Molecular consequence: missense variant.
Genome position (GRCh38, 1-based): chr2:165,313,924, C>A. VCF-style: chr2-165313924-C-A. GRCh37 (hg19) VCF-style: chr2-166170434-C-A.
Other names: c.1199C>A, p.Thr400Lys (NM_001040143.2, NM_001371246.1, NM_001371247.1 and 1 more transcripts); short protein forms T400K.
Identifiers: ClinVar variation 3775682 (VCV003775682.1).

ClinVar aggregate classification (germline): Uncertain significance (1 of 4 stars; one submission).

Conditions:
Developmental and epileptic encephalopathy, 11 (DEE11). Also called: Early infantile epileptic encephalopathy 11. Identifiers: Orphanet 1934, MedGen C3150987, MONDO:0013388, OMIM 613721.

Submission:

3billion
Classification: Uncertain significance for Developmental and epileptic encephalopathy, 11. Last evaluated: 2023-12-19. Review status: criteria provided, single submitter. Criteria: ACMG Guidelines, 2015. Collection method: clinical testing. Allele origin: germline. Affected: yes.
Comment: The variant is not observed in the gnomAD v2.1.1 dataset. Predicted Consequence/Location: Missense variant In silico tool predictions suggest damaging effect of the variant on gene or gene product [REVEL: 0.78 (>=0.6, sensitivity 0.68 and specificity 0.92); 3Cnet: 1.00 (>=0.6, sensitivity 0.72 and precision 0.9)]. A different missense change at the same codon (p.Thr400Arg) has been reported as pathogenic/likely pathogenic with strong evidence (ClinVar ID: VCV000373283). Therefore, this variant is classified as VUS according to the recommendation of ACMG/AMP guideline.